The following is an entry in ClinVar:

ClinVar aggregate classification (germline): Uncertain significance. Review status: criteria provided, multiple submitters, no conflicts (2 of 4 stars). 2 submissions from 2 submitters: Uncertain significance (2). Last evaluated 2025-06-18.

Conditions:
Camptomelic dysplasia (CMPD). Also called: CMPD1/SRA1; Campomelic Dysplasia. Identifiers: Orphanet 140, MedGen C1861922, MONDO:0007251, OMIM 114290.

Submissions (2):

Labcorp Genetics (formerly Invitae), Labcorp
Classification: Uncertain significance for Camptomelic dysplasia. Last evaluated: 2025-06-18. Review status: criteria provided, single submitter. Criteria: Invitae Variant Classification Sherloc (09022015). Collection method: clinical testing. Allele origin: germline.
Comment: This sequence change replaces glycine, which is neutral and non-polar, with serine, which is neutral and polar, at codon 83 of the SOX9 protein (p.Gly83Ser). This variant is not present in population databases (gnomAD no frequency). This variant has not been reported in the literature in individuals affected with SOX9-related conditions. ClinVar contains an entry for this variant (Variation ID: 1304243). Invitae Evidence Modeling of protein sequence and biophysical properties (such as structural, functional, and spatial information, amino acid conservation, physicochemical variation, residue mobility, and thermodynamic stability) indicates that this missense variant is expected to disrupt SOX9 protein function with a positive predictive value of 95%. In summary, the available evidence is currently insufficient to determine the role of this variant in disease. Therefore, it has been classified as a Variant of Uncertain Significance.

GeneDx
Classification: Uncertain significance. Last evaluated: 2019-07-05. Review status: criteria provided, single submitter. Criteria: GeneDx Variant Classification Process June 2021. Collection method: clinical testing. Allele origin: germline. Affected: yes.
Comment: Not observed in large population cohorts (Lek et al., 2016); In silico analysis, which includes protein predictors and evolutionary conservation, supports a deleterious effect; Has not been previously published as pathogenic or benign to our knowledge

NM_000346.4(SOX9):c.247G>A (p.Gly83Ser)

Genes: SOX9 (SRY-box transcription factor 9; plus strand), LOC108021846 (SOX9 promoter region; plus strand). Cytogenetic location: 17q24.3.
Variant type: single nucleotide variant.
Coding change: c.247G>A on transcript NM_000346.4 (MANE Select); coding-DNA position 247, G replaced by A.
Protein change: p.Gly83Ser; replaces glycine 83 with serine.
Molecular consequence: missense variant.
Genome position (GRCh38, 1-based): chr17:72,121,638, G>A. VCF-style: chr17-72121638-G-A. GRCh37 (hg19) VCF-style: chr17-70117779-G-A.
Other names: short protein forms G83S.
Identifiers: ClinVar variation 1304243 (VCV001304243.3), dbSNP rs1908097162, ClinGen allele CA400865844.